The following is an entry in ClinVar:

ClinVar aggregate classification (germline): Uncertain significance. Review status: criteria provided, multiple submitters, no conflicts (2 of 4 stars). 2 submissions from 2 submitters: Uncertain significance (2). Last evaluated 2024-12-19.

Submissions (2):

Labcorp Genetics (formerly Invitae), Labcorp
Classification: Uncertain significance. Last evaluated: 2024-12-19. Review status: criteria provided, single submitter. Criteria: Invitae Variant Classification Sherloc (09022015). Collection method: clinical testing. Allele origin: germline.
Comment: This sequence change replaces alanine, which is neutral and non-polar, with valine, which is neutral and non-polar, at codon 1466 of the COL2A1 protein (p.Ala1466Val). This variant is not present in population databases (gnomAD no frequency). This variant has not been reported in the literature in individuals affected with COL2A1-related conditions. ClinVar contains an entry for this variant (Variation ID: 2570827). Invitae Evidence Modeling of protein sequence and biophysical properties (such as structural, functional, and spatial information, amino acid conservation, physicochemical variation, residue mobility, and thermodynamic stability) indicates that this missense variant is not expected to disrupt COL2A1 protein function with a negative predictive value of 95%. In summary, the available evidence is currently insufficient to determine the role of this variant in disease. Therefore, it has been classified as a Variant of Uncertain Significance.

CeGaT Center for Human Genetics Tuebingen
Classification: Uncertain significance. Last evaluated: 2023-05-01. Review status: criteria provided, single submitter. Criteria: CeGaT Center For Human Genetics Tuebingen Variant Classification Criteria Version 2. Collection method: clinical testing. Allele origin: germline. Affected: yes. Observed: 1 variant allele.
Comment: COL2A1: PM2, PP2

NM_001844.5(COL2A1):c.4397C>T (p.Ala1466Val)

Gene: COL2A1 (collagen type II alpha 1 chain; minus strand). Cytogenetic location: 12q13.11.
Variant type: single nucleotide variant.
Coding change: c.4397C>T on transcript NM_001844.5 (MANE Select); coding-DNA position 4397, C replaced by T.
Protein change: p.Ala1466Val; replaces alanine 1466 with valine.
Molecular consequence: missense variant.
Genome position (GRCh38, 1-based): chr12:47,973,474, G>A on the plus strand (C>T on the coding strand, the complement: COL2A1 is on the minus strand). VCF-style: chr12-47973474-G-A. GRCh37 (hg19) VCF-style: chr12-48367257-G-A.
Other names: c.4190C>T, p.Ala1397Val (NM_033150.3); short protein forms A1397V, A1466V.
Identifiers: ClinVar variation 2570827 (VCV002570827.29), dbSNP rs1938536335, ClinGen allele CA384533205.
Genomic context (GRCh38, chr12:47,973,474, plus strand): 5'-AAGCAGACCGGCCCTATGTCCACACCGAATTCCTGCTCGGGCCCTCCTATGTCCATGGGT[G>A]CAATGTCAATGATGGGGAGGCGTGAGGTCTTCTGTGACCGGTACTCGATAACAGTCTTGC-3'
Protein context (NP_001835.3, residues 1456-1476): KTSRLPIIDI[Ala1466Val]PMDIGGPEQE